The following is an entry in ClinVar:

ClinVar aggregate classification (germline): Uncertain significance (1 of 4 stars; one submission).

Conditions:
Fanconi anemia (FA). Also called: Fanconi's anemia. Identifiers: Orphanet 84, MedGen C0015625, MeSH D005199, MONDO:0019391.

Allele frequency attached by ClinVar (database versions not stated): gnomAD exomes below 0.00001.
gnomAD v4.1: 2 of 1,614,238 alleles (0.00012%); highest among the groups gnomAD compares: South Asian, 0.0022%; no homozygotes.

Submission:

Labcorp Genetics (formerly Invitae), Labcorp
Classification: Uncertain significance for Fanconi anemia. Last evaluated: 2023-07-07. Review status: criteria provided, single submitter. Criteria: Invitae Variant Classification Sherloc (09022015). Collection method: clinical testing. Allele origin: germline.
Comment: Advanced modeling of protein sequence and biophysical properties (such as structural, functional, and spatial information, amino acid conservation, physicochemical variation, residue mobility, and thermodynamic stability) performed at Invitae indicates that this missense variant is expected to disrupt FANCG protein function. This sequence change replaces glutamic acid, which is acidic and polar, with lysine, which is basic and polar, at codon 299 of the FANCG protein (p.Glu299Lys). This variant is not present in population databases (gnomAD no frequency). This variant has not been reported in the literature in individuals affected with FANCG-related conditions. In summary, the available evidence is currently insufficient to determine the role of this variant in disease. Therefore, it has been classified as a Variant of Uncertain Significance.

NM_004629.2(FANCG):c.895G>A (p.Glu299Lys)

Gene: FANCG (FA complementation group G; minus strand). Cytogenetic location: 9p13.3.
Variant type: single nucleotide variant.
Coding change: c.895G>A on transcript NM_004629.2 (MANE Select); coding-DNA position 895, G replaced by A.
Protein change: p.Glu299Lys; replaces glutamic acid 299 with lysine.
Molecular consequence: missense variant.
Genome position (GRCh38, 1-based): chr9:35,076,753, C>T on the plus strand (G>A on the coding strand, the complement: FANCG is on the minus strand). VCF-style: chr9-35076753-C-T. GRCh37 (hg19) VCF-style: chr9-35076750-C-T.
Other names: short protein forms E299K.
Identifiers: ClinVar variation 2792819 (VCV002792819.3), dbSNP rs2490402438, ClinGen allele CA373312897.
Genomic context (GRCh38, chr9:35,076,753, plus strand): 5'-CACCCCACATCTTCACCTGGCAGTTCCCTACCTCAACTAGCAGCTCCAGACTCTCCAGCT[C>T]TGCTGTTGTGTCCCCCAGTTGCTGATAGAGCCTAGAGGCCTCCAGAAGTGGAGGACCCCA-3'
Protein context (NP_004620.1, residues 289-309): LYQQLGDTTA[Glu299Lys]LESLELLVEA